The following is an entry in ClinVar:

NM_001362931.2(GDAP1):c.787C>G (p.Gln263Glu)

Gene: GDAP1 (ganglioside induced differentiation associated protein 1; plus strand). Cytogenetic location: 8q21.11.
Variant type: single nucleotide variant.
Coding change: c.787C>G on transcript NM_001362931.2; coding-DNA position 787, C replaced by G.
Protein change: p.Gln263Glu; replaces glutamine 263 with glutamic acid.
Molecular consequence: missense variant.
Genome position (GRCh38, 1-based): chr8:74,488,770, C>G. VCF-style: chr8-74488770-C-G. GRCh37 (hg19) VCF-style: chr8-75401005-C-G.
Other names: short protein forms Q263E.
Identifiers: ClinVar variation 2629483 (VCV002629483.2), dbSNP rs758200216, ClinGen allele CA179748492.

ClinVar aggregate classification (germline): Uncertain significance (1 of 4 stars; one submission).

Conditions:
GDAP1-related disorder. Also called: GDAP1-related disorders; GDAP1-related condition.

Allele frequency attached by ClinVar (database versions not stated): gnomAD 0.00005; TOPMed 0.00006.
gnomAD v4.1: 7 of 152,172 alleles (0.0046%); highest among the groups gnomAD compares: Non-Finnish European, 0.0073%; no homozygotes.

Submission:

PreventionGenetics, part of Exact Sciences
Classification: Uncertain significance for GDAP1-related condition. Last evaluated: 2026-09-17. Review status: criteria provided, single submitter. Criteria: ACMG Guidelines, 2015. Collection method: clinical testing. Allele origin: germline.
Comment: The GDAP1 c.787C>G variant is predicted to result in the amino acid substitution p.Gln263Glu. To our knowledge, this variant has not been reported in the literature. This variant is reported in 0.011% of alleles in individuals of African descent in gnomAD. At this time, the clinical significance of this variant is uncertain due to the absence of conclusive functional and genetic evidence.